The following is an entry in ClinVar:

ClinVar aggregate classification (germline): Uncertain significance. Review status: criteria provided, multiple submitters, no conflicts (2 of 4 stars). 2 submissions from 2 submitters: Uncertain significance (2). Last evaluated 2025-11-10.

Conditions:
Deafness-lymphedema-leukemia syndrome. Also called: Lymphedema, primary, with myelodysplasia; Emberger syndrome. Identifiers: Orphanet 3226, MedGen C3279664, MONDO:0013540, OMIM 614038.
Monocytopenia with susceptibility to infections. Also called: MONOCYTOPENIA AND MYCOBACTERIAL INFECTION SYNDROME; MONOCYTOPENIA WITH SUSCEPTIBILITY TO MYCOBACTERIAL, FUNGAL, AND PAPILLOMAVIRUS INFECTIONS AND MYELODYSPLASIA; COMBINED IMMUNODEFICIENCY WITH SUSCEPTIBILITY TO MYCOBACTERIAL, VIRAL, AND FUNGAL INFECTIONS; Dendritic cell, monocyte, B lymphocyte, and natural killer lymphocyte deficiency; IMMUNODEFICIENCY 21; GATA2 DEFICIENCY. Identifiers: Orphanet 228423, MedGen C3280030, MONDO:0013607, OMIM 614172.
Inborn genetic diseases. Identifiers: MedGen C0950123, MeSH D030342.

gnomAD v4.1: 1 of 1,613,768 alleles (0.000062%); highest among the groups gnomAD compares: Non-Finnish European, 0.000085%; no homozygotes.

Submissions (2):

Ambry Genetics
Classification: Uncertain significance for Inborn genetic diseases. Last evaluated: 2025-11-10. Review status: criteria provided, single submitter. Criteria: Ambry Variant Classification Scheme 2023. Collection method: clinical testing. Allele origin: germline.
Comment: The p.G346R variant (also known as c.1036G>C), located in coding exon 4 of the GATA2 gene, results from a G to C substitution at nucleotide position 1036. The glycine at codon 346 is replaced by arginine, an amino acid with dissimilar properties. This amino acid position is conserved. In addition, this alteration is predicted to be deleterious by in silico analysis. Based on the available evidence, the clinical significance of this variant remains unclear.

Labcorp Genetics (formerly Invitae), Labcorp
Classification: Uncertain significance for Monocytopenia with susceptibility to infections; Deafness-lymphedema-leukemia syndrome. Last evaluated: 2022-11-09. Review status: criteria provided, single submitter. Criteria: Invitae Variant Classification Sherloc (09022015). Collection method: clinical testing. Allele origin: germline.
Comment: This sequence change replaces glycine, which is neutral and non-polar, with arginine, which is basic and polar, at codon 346 of the GATA2 protein (p.Gly346Arg). This variant is not present in population databases (gnomAD no frequency). This variant has not been reported in the literature in individuals affected with GATA2-related conditions. Advanced modeling of protein sequence and biophysical properties (such as structural, functional, and spatial information, amino acid conservation, physicochemical variation, residue mobility, and thermodynamic stability) performed at Invitae indicates that this missense variant is expected to disrupt GATA2 protein function. In summary, the available evidence is currently insufficient to determine the role of this variant in disease. Therefore, it has been classified as a Variant of Uncertain Significance.

NM_032638.5(GATA2):c.1036G>C (p.Gly346Arg)

Gene: GATA2 (GATA binding protein 2; minus strand). Cytogenetic location: 3q21.3.
Variant type: single nucleotide variant.
Coding change: c.1036G>C on transcript NM_032638.5 (MANE Select); coding-DNA position 1036, G replaced by C.
Protein change: p.Gly346Arg; replaces glycine 346 with arginine.
Molecular consequence: missense variant. On other transcripts: intron variant (1).
Genome position (GRCh38, 1-based): chr3:128,481,926, C>G on the plus strand (G>C on the coding strand, the complement: GATA2 is on the minus strand). VCF-style: chr3-128481926-C-G. GRCh37 (hg19) VCF-style: chr3-128200769-C-G.
Other names: c.1036G>C, p.Gly346Arg (NM_001145661.2); c.1018-24G>C (NM_001145662.1); short protein forms G346R.
Identifiers: ClinVar variation 2924539 (VCV002924539.4), dbSNP rs1559985135, ClinGen allele CA354413678.